The following is an entry in ClinVar:

NC_000002.12:g.121530964A>C

Genes: CLASP1 (cytoplasmic linker associated protein 1; minus strand), CLASP1-AS1 (CLASP1 antisense RNA 1; plus strand), RNU4ATAC (RNA, U4atac small nuclear; plus strand). Cytogenetic location: 2q14.2.
Variant type: single nucleotide variant.
Molecular consequence: intron variant (on NM_001395891.1).
Genome position: GRCh38 VCF-style: chr2-121530964-A-C. GRCh37 (hg19) VCF-style: chr2-122288540-A-C.
Other names: c.196-639T>G (NM_001378003.1, NM_001395891.1, NM_001378004.1 and 5 more transcripts).
Identifiers: ClinVar variation 2975937 (VCV002975937.3), dbSNP rs750878745, ClinGen allele CA428888086.
Genomic context (GRCh38, chr2:121,530,964, plus strand): 5'-CTACTGTCCAATGAGCGCATAGTGAGGGCAGTACTGCTAACGCCTGAACAACACACCCGC[A>C]TCAACTAGAGCTTTTGCTTTATTTTGGTGCAATTTTTGGAAAAATGAAAACCTGTTTTCA-3'

ClinVar aggregate classification (germline): Uncertain significance (1 of 4 stars; one submission).

gnomAD v4.1: 15 of 700,348 alleles (0.0021%); highest among the groups gnomAD compares: South Asian, 0.0059%; no homozygotes.

Submission:

Labcorp Genetics (formerly Invitae), Labcorp
Classification: Uncertain significance. Last evaluated: 2023-12-14. Review status: criteria provided, single submitter. Criteria: Invitae Variant Classification Sherloc (09022015). Collection method: clinical testing. Allele origin: germline.
Comment: This variant occurs in the RNU4ATAC gene, which encodes an RNA molecule that does not result in a protein product. This variant is present in population databases (no rsID available, gnomAD 0.004%). This variant has not been reported in the literature in individuals affected with RNU4ATAC-related conditions. In summary, the available evidence is currently insufficient to determine the role of this variant in disease. Therefore, it has been classified as a Variant of Uncertain Significance.